The following is an entry in ClinVar:

ClinVar aggregate classification (germline): Uncertain significance (1 of 4 stars; one submission).

Allele frequency attached by ClinVar (database versions not stated): gnomAD 0.00001 and 0.00002.
gnomAD v4.1: 29 of 1,613,888 alleles (0.0018%); highest among the groups gnomAD compares: Middle Eastern, 0.016%; no homozygotes.

Submission:

Labcorp Genetics (formerly Invitae), Labcorp
Classification: Uncertain significance. Last evaluated: 2025-01-13. Review status: criteria provided, single submitter. Criteria: Invitae Variant Classification Sherloc (09022015). Collection method: clinical testing. Allele origin: germline.
Comment: This sequence change replaces phenylalanine, which is neutral and non-polar, with valine, which is neutral and non-polar, at codon 9 of the C5 protein (p.Phe9Val). This variant is present in population databases (rs776535387, gnomAD 0.004%). This variant has not been reported in the literature in individuals affected with C5-related conditions. ClinVar contains an entry for this variant (Variation ID: 1393389). Experimental studies and prediction algorithms are not available or were not evaluated, and the functional significance of this variant is currently unknown. In summary, the available evidence is currently insufficient to determine the role of this variant in disease. Therefore, it has been classified as a Variant of Uncertain Significance.

NM_001735.3(C5):c.25T>G (p.Phe9Val)

Gene: C5 (complement C5; minus strand). Cytogenetic location: 9q33.2.
Variant type: single nucleotide variant.
Coding change: c.25T>G on transcript NM_001735.3 (MANE Select); coding-DNA position 25, T replaced by G.
Protein change: p.Phe9Val; replaces phenylalanine 9 with valine.
Molecular consequence: missense variant. On other transcripts: intron variant (1).
Genome position (GRCh38, 1-based): chr9:121,050,222, A>C on the plus strand (T>G on the coding strand, the complement: C5 is on the minus strand). VCF-style: chr9-121050222-A-C. GRCh37 (hg19) VCF-style: chr9-123812500-A-C.
Other names: c.25T>G, p.Phe9Val (NM_001317164.2); c.84-3839T>G (NM_001317163.2); short protein forms F9V.
Identifiers: ClinVar variation 1393389 (VCV001393389.5), dbSNP rs776535387, ClinGen allele CA5218504.